The following is an entry in ClinVar:

NM_000138.5(FBN1):c.1370G>A (p.Arg457His)

Gene: FBN1 (fibrillin 1; minus strand). Cytogenetic location: 15q21.1.
Variant type: single nucleotide variant.
Coding change: c.1370G>A on transcript NM_000138.5 (MANE Select); coding-DNA position 1370, G replaced by A.
Protein change: p.Arg457His; replaces arginine 457 with histidine.
Molecular consequence: missense variant.
Genome position (GRCh38, 1-based): chr15:48,515,485, C>T on the plus strand (G>A on the coding strand, the complement: FBN1 is on the minus strand). VCF-style: chr15-48515485-C-T. GRCh37 (hg19) VCF-style: chr15-48807682-C-T.
Other names: short protein forms R457H.
Identifiers: ClinVar variation 922395 (VCV000922395.15), dbSNP rs141217134, ClinGen allele CA044494.

ClinVar aggregate classification (germline): Uncertain significance. Review status: criteria provided, multiple submitters, no conflicts (2 of 4 stars). 5 submissions from 5 submitters: Uncertain significance (5). Last evaluated 2024-06-18.

Conditions:
Familial thoracic aortic aneurysm and aortic dissection (TAAD). Also called: Thoracic aortic aneurysms and dissections. Identifiers: Orphanet 91387, MedGen C4707243, MONDO:0019625.
Marfan syndrome (MFS). Also called: Marfan syndrome, classic; Marfan syndrome type 1; Marfan's syndrome; FBN1-Related Marfan Syndrome; MARFAN SYNDROME, TYPE I. Identifiers: Orphanet 284963, Orphanet 558, MedGen C0024796, MONDO:0007947, OMIM 154700.

Allele frequency attached by ClinVar (database versions not stated): gnomAD 0.00003 and 0.00002; gnomAD exomes 0.00001 and 0.00002; ExAC 0.00002; ESP Exome Variant Server 0.00008.

Submissions (5):

Color Diagnostics, LLC DBA Color Health
Classification: Uncertain significance for Familial thoracic aortic aneurysm and aortic dissection. Last evaluated: 2024-06-18. Review status: criteria provided, single submitter. Criteria: ACMG Guidelines, 2015. Collection method: clinical testing. Allele origin: germline.
Comment: This missense variant replaces arginine with histidine at codon 457 of the FBN1 protein. Computational prediction tools indicate that this variant's impact on protein structure and function is inconclusive. To our knowledge, functional studies have not been reported for this variant. This variant has not been reported in individuals affected with FBN1-related disorders in the literature. This variant has been identified in 6/282616 chromosomes in the general population by the Genome Aggregation Database (gnomAD). The available evidence is insufficient to determine the role of this variant in disease conclusively. Therefore, this variant is classified as a Variant of Uncertain Significance.

All of Us Research Program, National Institutes of Health
Classification: Uncertain significance for Marfan syndrome. Last evaluated: 2023-12-13. Review status: criteria provided, single submitter. Criteria: ACMG Guidelines, 2015. Collection method: clinical testing. Allele origin: germline. Inheritance: Autosomal dominant inheritance. Observed: 3 variant alleles, 3 heterozygotes.
Comment: This missense variant replaces arginine with histidine at codon 457 of the FBN1 protein. Computational prediction is inconclusive regarding the impact of this variant on protein structure and function (internally defined REVEL score threshold 0.5 < inconclusive < 0.7, PMID: 27666373). To our knowledge, functional studies have not been reported for this variant. This variant has not been reported in individuals affected with cardiovascular disorders in the literature. This variant has been identified in 6/282616 chromosomes in the general population by the Genome Aggregation Database (gnomAD). The available evidence is insufficient to determine the role of this variant in disease conclusively. Therefore, this variant is classified as a Variant of Uncertain Significance.

This study involves interpretation of variants in research participants for the purpose of population health screening. Participant phenotype was not available at the time of variant classification. Additional details can be found in publication PMID: 35346344, PMCID: PMC8962531

Ambry Genetics
Classification: Uncertain significance for Familial thoracic aortic aneurysm and aortic dissection. Last evaluated: 2023-01-27. Review status: criteria provided, single submitter. Criteria: Ambry Variant Classification Scheme 2023. Collection method: clinical testing. Allele origin: germline.
Comment: The p.R457H variant (also known as c.1370G>A), located in coding exon 11 of the FBN1 gene, results from a G to A substitution at nucleotide position 1370. The arginine at codon 457 is replaced by histidine, an amino acid with highly similar properties. This alteration has been reported in a database of subjects with features of Marfan syndrome (Groth KA et al. Genet Med, 2017 Jul;19:772-777). This amino acid position is well conserved in available vertebrate species. In addition, the in silico prediction for this alteration is inconclusive. Since supporting evidence is limited at this time, the clinical significance of this alteration remains unclear.

GeneDx
Classification: Uncertain significance. Last evaluated: 2022-10-24. Review status: criteria provided, single submitter. Criteria: GeneDx Variant Classification Process June 2021. Collection method: clinical testing. Allele origin: germline. Affected: yes.
Comment: In silico analysis supports that this missense variant does not alter protein structure/function; Has not been previously published as pathogenic or benign to our knowledge; Although located in a calcium-binding EGF-like domain of the FBN1 gene, it does not affect a cysteine residue within this domain; cysteine substitutions in the calcium-binding EGF-like domains represent the majority of pathogenic missense changes associated with FBN1-related disorders (Collod-Beroud et al., 2003); This variant is associated with the following publications: (PMID: 12938084)

Labcorp Genetics (formerly Invitae), Labcorp
Classification: Uncertain significance for Marfan syndrome; Familial thoracic aortic aneurysm and aortic dissection. Last evaluated: 2021-11-26. Review status: criteria provided, single submitter. Criteria: Invitae Variant Classification Sherloc (09022015). Collection method: clinical testing. Allele origin: germline.
Comment: This sequence change replaces arginine, which is basic and polar, with histidine, which is basic and polar, at codon 457 of the FBN1 protein (p.Arg457His). In summary, the available evidence is currently insufficient to determine the role of this variant in disease. Therefore, it has been classified as a Variant of Uncertain Significance. Algorithms developed to predict the effect of missense changes on protein structure and function are either unavailable or do not agree on the potential impact of this missense change (SIFT: "Deleterious"; PolyPhen-2: "Possibly Damaging"; Align-GVGD: "Class C0"). ClinVar contains an entry for this variant (Variation ID: 922395). This variant has not been reported in the literature in individuals affected with FBN1-related conditions. This variant is present in population databases (rs141217134, gnomAD 0.006%).

Literature cited by the submitters: PubMed 27906200 (cited by Ambry Genetics).